The following is an entry in ClinVar:

NM_007129.5(ZIC2):c.1199_1207del (p.Lys400_Tyr402del)

Gene: ZIC2 (Zic family zinc finger 2; plus strand). Cytogenetic location: 13q32.3.
Variant type: Deletion.
Coding change: c.1199_1207del on transcript NM_007129.5 (MANE Select); coding-DNA positions 1199 to 1207, 9 bases deleted (AGTCCTACA; older notation c.1199_1207delAGTCCTACA).
Protein change: p.Lys400_Tyr402del.
Molecular consequence: inframe deletion.
Genome position (GRCh38, 1-based): chr13:99,985,069-99,985,077, AGTCCTACA deleted; deleting any 9 consecutive bases within chr13:99,985,066-99,985,077 gives the same sequence; the c. name uses the placement nearest the transcript's 3' end. VCF-style (leftmost placement, unchanged base first): chr13-99985065-GACAAGTCCT-G. GRCh37 (hg19) VCF-style: chr13-100637319-GACAAGTCCT-G.
Identifiers: ClinVar variation 1994794 (VCV001994794.4), dbSNP rs2501549380, ClinGen allele CA2580087794.

ClinVar aggregate classification (germline): Pathogenic (1 of 4 stars; one submission).

Conditions:
Holoprosencephaly 5 (HPE5). Identifiers: Orphanet 2162, MedGen C1864827, MONDO:0012322, OMIM 609637.

Submission:

Labcorp Genetics (formerly Invitae), Labcorp
Classification: Pathogenic for Holoprosencephaly 5. Last evaluated: 2024-12-03. Review status: criteria provided, single submitter. Criteria: Invitae Variant Classification Sherloc (09022015). Collection method: clinical testing. Allele origin: germline.
Comment: This variant, c.1199_1207del, results in the deletion of 3 amino acid(s) of the ZIC2 protein (p.Lys400_Tyr402del), but otherwise preserves the integrity of the reading frame. This variant is not present in population databases (gnomAD no frequency). This variant has not been reported in the literature in individuals affected with ZIC2-related conditions. ClinVar contains an entry for this variant (Variation ID: 1994794). This variant disrupts a region of the ZIC2 protein in which other variant(s) (p.Lys400_Tyr402delinsAsn) have been determined to be pathogenic (internal data). This suggests that this is a clinically significant region of the protein, and that variants that disrupt it are likely to be disease-causing. For these reasons, this variant has been classified as Pathogenic.